The following is an entry in ClinVar:

NM_022095.4(ZNF335):c.3123C>T (p.His1041=)

Gene: ZNF335 (zinc finger protein 335; minus strand). Cytogenetic location: 20q13.12.
Variant type: single nucleotide variant.
Coding change: c.3123C>T on transcript NM_022095.4 (MANE Select); coding-DNA position 3123, C replaced by T.
Protein change: p.His1041=; no amino-acid change (histidine 1041 retained).
Molecular consequence: synonymous variant.
Genome position (GRCh38, 1-based): chr20:45,952,213, G>A on the plus strand (C>T on the coding strand, the complement: ZNF335 is on the minus strand). VCF-style: chr20-45952213-G-A. GRCh37 (hg19) VCF-style: chr20-44580852-G-A.
Identifiers: ClinVar variation 1569685 (VCV001569685.32), dbSNP rs755244107, ClinGen allele CA9885153.

ClinVar aggregate classification (germline): Likely benign. Review status: criteria provided, multiple submitters, no conflicts (2 of 4 stars). 2 submissions from 2 submitters: Likely benign (2). Last evaluated 2024-08-29.

Allele frequency attached by ClinVar (database versions not stated): gnomAD 0.00010 and 0.00011; TOPMed 0.00011; gnomAD exomes 0.00012 and 0.00017; ExAC 0.00014.
gnomAD v4.1: 257 of 1,612,892 alleles (0.016%); highest among the groups gnomAD compares: Non-Finnish European, 0.018%; no homozygotes.

Submissions (2):

Labcorp Genetics (formerly Invitae), Labcorp
Classification: Likely benign. Last evaluated: 2024-08-29. Review status: criteria provided, single submitter. Criteria: Invitae Variant Classification Sherloc (09022015). Collection method: clinical testing. Allele origin: germline.

CeGaT Center for Human Genetics Tuebingen
Classification: Likely benign. Last evaluated: 2023-03-01. Review status: criteria provided, single submitter. Criteria: CeGaT Center For Human Genetics Tuebingen Variant Classification Criteria Version 2. Collection method: clinical testing. Allele origin: germline. Affected: yes. Observed: 2 variant alleles.
Comment: ZNF335: BP4, BP7